The following is an entry in ClinVar:

ClinVar aggregate classification (germline): Likely benign (1 of 4 stars; one submission).

Conditions:
PLEC-related disorder. Also called: PLEC-related condition; PLEC-related disorders.

gnomAD v4.1: 8 of 1,611,914 alleles (0.0005%); highest among the groups gnomAD compares: African/African-American, 0.011%; no homozygotes.

Submission:

PreventionGenetics, part of Exact Sciences
Classification: Likely benign for PLEC-related condition. Last evaluated: 2026-04-21. Review status: criteria provided, single submitter. Criteria: ACMG Guidelines, 2015. Collection method: clinical testing. Allele origin: germline.
Comment: This variant is classified as likely benign based on ACMG/AMP sequence variant interpretation guidelines (Richards et al. 2015 PMID: 25741868, with internal and published modifications).

NM_201384.3(PLEC):c.3946-6C>G

Gene: PLEC (plectin; minus strand). Cytogenetic location: 8q24.3.
Variant type: single nucleotide variant.
Coding change: c.3946-6C>G on transcript NM_201384.3 (MANE Select); 6 bases into the intron before coding-DNA position 3946, C replaced by G.
Molecular consequence: intron variant.
Genome position (GRCh38, 1-based): chr8:143,926,888, G>C on the plus strand (C>G on the coding strand, the complement: PLEC is on the minus strand). VCF-style: chr8-143926888-G-C. GRCh37 (hg19) VCF-style: chr8-145001056-G-C.
Other names: c.4027-6C>G (NM_001410941.1, NM_000445.5); c.3904-6C>G (NM_201378.4); c.3880-6C>G (NM_201379.3); c.4357-6C>G (NM_201380.4); c.3850-6C>G (NM_201381.3); c.3946-6C>G (NM_201382.4); c.3958-6C>G (NM_201383.3).
Identifiers: ClinVar variation 4984582 (VCV004984582.1).
Genomic context (GRCh38, chr8:143,926,888, plus strand): 5'-TGTACTGGCTCGTCAGTGTGGTCAGCTCGCTGTAGTGCGTACGCAGGTCCACGTACTGTG[G>C]AGTAGAGCCAGGGTTAGCCCTGCGAGAGCTGCAGCTCCAGCCAGAGGCCTGCCAGCCCCT-3'